The following is an entry in ClinVar:

NM_030777.4(SLC2A10):c.*29C>G

Gene: SLC2A10 (solute carrier family 2 member 10; plus strand). Cytogenetic location: 20q13.12.
Variant type: single nucleotide variant.
Coding change: c.*29C>G on transcript NM_030777.4 (MANE Select); 29 bases downstream of the stop codon, C replaced by G.
Molecular consequence: 3 prime UTR variant.
Genome position (GRCh38, 1-based): chr20:46,733,863, C>G. VCF-style: chr20-46733863-C-G. GRCh37 (hg19) VCF-style: chr20-45362502-C-G.
Identifiers: ClinVar variation 338599 (VCV000338599.7), dbSNP rs34965637, ClinGen allele CA9892286.

ClinVar aggregate classification (germline): Likely benign. Review status: criteria provided, multiple submitters, no conflicts (2 of 4 stars). 2 submissions from 2 submitters: Likely benign (2). Last evaluated 2018-06-26.

Conditions:
Arterial tortuosity syndrome (ATORS). Identifiers: Orphanet 3342, MedGen C1859726, MONDO:0008818, OMIM 208050.

Allele frequency attached by ClinVar (database versions not stated): ESP Exome Variant Server 0.00038; TOPMed 0.00057; gnomAD exomes 0.00140 and 0.00292; gnomAD 0.00241 and 0.00247; 1000 Genomes Project 30x 0.00250; 1000 Genomes Project 0.00260; ExAC 0.00269.
gnomAD v4.1: 2,393 of 1,607,880 alleles (0.15%); highest among the groups gnomAD compares: East Asian, 1.2%; 31 homozygotes.

Submissions (2):

GeneDx
Classification: Likely benign. Last evaluated: 2018-06-26. Review status: criteria provided, single submitter. Criteria: GeneDx Variant Classification Process June 2021. Collection method: clinical testing. Allele origin: germline. Affected: yes.

Illumina Laboratory Services, Illumina
Classification: Likely benign for Arterial tortuosity syndrome. Last evaluated: 2018-01-13. Review status: criteria provided, single submitter. Criteria: ICSL Variant Classification Criteria 13 December 2019. Collection method: clinical testing. Allele origin: germline.
Comment: This variant was observed in the ICSL laboratory as part of a predisposition screen in an ostensibly healthy population. It had not been previously curated by ICSL or reported in the Human Gene Mutation Database (HGMD: prior to June 1st, 2018), and was therefore a candidate for classification through an automated scoring system. Utilizing variant allele frequency, disease prevalence and penetrance estimates, and inheritance mode, an automated score was calculated to assess if this variant is too frequent to cause the disease. Based on the score and internal cut-off values, a variant classified as likely benign is not then subjected to further curation. The score for this variant resulted in a classification of likely benign for this disease.